The following is an entry in ClinVar:

ClinVar aggregate classification (germline): Benign/Likely benign. Review status: criteria provided, multiple submitters, no conflicts (2 of 4 stars). 4 submissions from 3 submitters: Benign (3); Likely benign (1). Last evaluated 2025-10-08.

Conditions:
Mitochondrial complex I deficiency, nuclear type 1. Also called: NADH-COENZYME Q REDUCTASE DEFICIENCY; MITOCHONDRIAL NADH DEHYDROGENASE COMPONENT OF COMPLEX I, DEFICIENCY OF. Identifiers: MedGen C6022305, MONDO:0100224, OMIM 252010.
Leigh syndrome (NULS). Also called: Leigh Disease; Subacute necrotizing encephalopathy; Leigh Syndrome (mtDNA deletion); Leigh's syndrome; Leigh's necrotizing encephalopathy; Leigh's disease. Identifiers: Orphanet 506, MedGen C2931891, MONDO:0009723, OMIM 256000.

Allele frequency attached by ClinVar (database versions not stated): gnomAD 0.00018 and 0.00056; TOPMed 0.00028; 1000 Genomes Project 0.00160; gnomAD exomes 0.00252; ExAC 0.00374.

Submissions (4):

Labcorp Genetics (formerly Invitae), Labcorp
Classification: Benign. Last evaluated: 2025-10-08. Review status: criteria provided, single submitter. Criteria: Invitae Variant Classification Sherloc (09022015). Collection method: clinical testing. Allele origin: germline.

GeneDx
Classification: Benign. Last evaluated: 2019-05-10. Review status: criteria provided, single submitter. Criteria: GeneDx Variant Classification Process June 2021. Collection method: clinical testing. Allele origin: germline. Affected: yes.

Illumina Laboratory Services, Illumina
Classification: Likely benign for Mitochondrial complex I deficiency, nuclear type 1. Last evaluated: 2018-01-13. Review status: criteria provided, single submitter. Criteria: ICSL Variant Classification Criteria 13 December 2019. Collection method: clinical testing. Allele origin: germline.
Comment: This variant was observed in the ICSL laboratory as part of a predisposition screen in an ostensibly healthy population. It had not been previously curated by ICSL or reported in the Human Gene Mutation Database (HGMD: prior to June 1st, 2018), and was therefore a candidate for classification through an automated scoring system. Utilizing variant allele frequency, disease prevalence and penetrance estimates, and inheritance mode, an automated score was calculated to assess if this variant is too frequent to cause the disease. Based on the score and internal cut-off values, a variant classified as likely benign is not then subjected to further curation. The score for this variant resulted in a classification of likely benign for this disease.

Illumina Laboratory Services, Illumina
Classification: Benign for Leigh syndrome. Last evaluated: 2018-01-13. Review status: criteria provided, single submitter. Criteria: ICSL Variant Classification Criteria 13 December 2019. Collection method: clinical testing. Allele origin: germline.
Comment: This variant was observed in the ICSL laboratory as part of a predisposition screen in an ostensibly healthy population. It had not been previously curated by ICSL or reported in the Human Gene Mutation Database (HGMD: prior to June 1st, 2018), and was therefore a candidate for classification through an automated scoring system. Utilizing variant allele frequency, disease prevalence and penetrance estimates, and inheritance mode, an automated score was calculated to assess if this variant is too frequent to cause the disease. Based on the score and internal cut-off values, a variant classified as benign is not then subjected to further curation. The score for this variant resulted in a classification of benign for this disease.

NM_005006.7(NDUFS1):c.1393-7T>A

Gene: NDUFS1 (NADH:ubiquinone oxidoreductase core subunit S1; minus strand). Cytogenetic location: 2q33.3.
Variant type: single nucleotide variant.
Coding change: c.1393-7T>A on transcript NM_005006.7 (MANE Select); 7 bases into the intron before coding-DNA position 1393, T replaced by A.
Molecular consequence: intron variant.
Genome position (GRCh38, 1-based): chr2:206,133,112, A>T on the plus strand (T>A on the coding strand, the complement: NDUFS1 is on the minus strand). VCF-style: chr2-206133112-A-T. GRCh37 (hg19) VCF-style: chr2-206997836-A-T.
Other names: c.1060-7T>A (NM_001199982.2); c.1222-7T>A (NM_001199983.2); c.1285-7T>A (NM_001199981.2); c.1435-7T>A (NM_001199984.2).
Identifiers: ClinVar variation 897860 (VCV000897860.13), dbSNP rs200409285, ClinGen allele CA2070452.